The following is an entry in ClinVar:

ClinVar aggregate classification (germline): Uncertain significance (1 of 4 stars; one submission).

Conditions:
Intellectual developmental disorder, X-linked 104. Also called: Intellectual disability, X-linked 104. Identifiers: MedGen C4310817, MONDO:0010509, OMIM 300983.

Submission:

Baylor Genetics
Classification: Uncertain significance for Intellectual developmental disorder, X-linked 104. Last evaluated: 2019-11-15. Review status: criteria provided, single submitter. Criteria: ACMG Guidelines, 2015. Collection method: clinical testing. Allele origin: unknown. Affected: yes.
Comment: This variant was determined to be of uncertain significance according to ACMG Guidelines, 2015 [PMID:25741868].

NM_001368397.1(FRMPD4):c.1472C>G (p.Pro491Arg)

Gene: FRMPD4 (FERM and PDZ domain containing 4; plus strand). Cytogenetic location: Xp22.2.
Variant type: single nucleotide variant.
Coding change: c.1472C>G on transcript NM_001368397.1 (MANE Select); coding-DNA position 1472, C replaced by G.
Protein change: p.Pro491Arg; replaces proline 491 with arginine.
Molecular consequence: missense variant.
Genome position (GRCh38, 1-based): chrX:12,710,400, C>G. VCF-style: chrX-12710400-C-G. GRCh37 (hg19) VCF-style: chrX-12728519-C-G.
Other names: c.1583C>G, p.Pro528Arg (NM_001368395.3, NM_001368398.3); c.1478C>G, p.Pro493Arg (NM_001368396.3); c.1463C>G, p.Pro488Arg (NM_001368399.3); c.1352C>G, p.Pro451Arg (NM_001368400.3); c.1448C>G, p.Pro483Arg (NM_001368401.1, NM_001368402.3); c.1472C>G, p.Pro491Arg (NM_014728.3); short protein forms P493R, P483R, P488R, P451R, P491R, P528R.
Identifiers: ClinVar variation 1031296 (VCV001031296.1), dbSNP rs2041962927, ClinGen allele CA412009579.